The following is an entry in ClinVar:

Conditions:
Breast-ovarian cancer, familial, susceptibility to, 1 (BROVCA1). Also called: BRCA1 Hereditary Breast and Ovarian Cancer; OVARIAN CANCER, SUSCEPTIBILITY TO. Identifiers: Orphanet 145, MedGen C2676676, MONDO:0011450, OMIM 604370. Disease mechanism: loss of function.

Submission:

Brotman Baty Institute, University of Washington
No classification provided (evidence only). Condition: Breast-ovarian cancer, familial 1. Review status: no classification provided. Collection method: in vitro. Allele origin: not applicable. Functional consequence: functionally_normal.
ClinVar note: "not provided" was previously submitted as the classification for the variant. However, the classification appeared to be based only on an observation of functional data so it was converted to no classification on 2025-07-30.

NM_007294.4(BRCA1):c.134+8T>A

Gene: BRCA1 (BRCA1 DNA repair associated; minus strand). Cytogenetic location: 17q21.31.
Variant type: single nucleotide variant.
Coding change: c.134+8T>A on transcript NM_007294.4 (MANE Select); 8 bases into the intron after coding-DNA position 134, T replaced by A.
Molecular consequence: intron variant.
Genome position (GRCh38, 1-based): chr17:43,115,718, A>T on the plus strand (T>A on the coding strand, the complement: BRCA1 is on the minus strand). VCF-style: chr17-43115718-A-T. GRCh37 (hg19) VCF-style: chr17-41267735-A-T.
Other names: c.-8+8T>A (NM_001408458.1, NM_001408470.1, NM_001407848.1 and 47 more transcripts); c.-219+9559T>A (NM_001407967.1); c.-170+9559T>A (NM_001407959.1); c.-7-9185T>A (NM_001407931.1, NM_001407747.1, NM_001408511.1 and 2 more transcripts); c.-170+8T>A (NM_001407962.1, NM_001408512.1, NM_001408510.1 and 1 more transcripts); c.-55+8T>A (NM_001407885.1, NM_001407886.1, NM_001408509.1 and 52 more transcripts); c.-124+8T>A (NM_001407746.1, NM_001408468.1, NM_001407842.1 and 13 more transcripts); c.-8+8299T>A (NM_001408461.1, NM_001407738.1, NM_001407932.1 and 23 more transcripts); and 10 more.
Identifiers: ClinVar variation 868180 (VCV000868180.3), dbSNP rs2055241049, ClinGen allele CA916080990.